The following is an entry in ClinVar:

NM_000815.5(GABRD):c.934G>A (p.Val312Ile)

Gene: GABRD (gamma-aminobutyric acid type A receptor subunit delta; plus strand). Cytogenetic location: 1p36.33.
Variant type: single nucleotide variant.
Coding change: c.934G>A on transcript NM_000815.5 (MANE Select); coding-DNA position 934, G replaced by A.
Protein change: p.Val312Ile; replaces valine 312 with isoleucine.
Molecular consequence: missense variant.
Genome position (GRCh38, 1-based): chr1:2,029,637, G>A. VCF-style: chr1-2029637-G-A. GRCh37 (hg19) VCF-style: chr1-1961076-G-A.
Other names: c.934G>A (NM_000815.4); short protein forms V312I.
Identifiers: ClinVar variation 1039421 (VCV001039421.5), dbSNP rs774201718, ClinGen allele CA534840.

ClinVar aggregate classification (germline): Uncertain significance. Review status: criteria provided, multiple submitters, no conflicts (2 of 4 stars). 2 submissions from 2 submitters: Uncertain significance (2). Last evaluated 2024-09-09.

Conditions:
Inborn genetic diseases. Identifiers: MedGen C0950123, MeSH D030342.
Idiopathic generalized epilepsy. Also called: Generalised epilepsy; EIG. Identifiers: MedGen C0270850, MONDO:0005579, OMIM 600669.

Allele frequency attached by ClinVar (database versions not stated): gnomAD exomes 0.00008 and 0.00010; ExAC 0.00014; gnomAD 0.00007 and 0.00008; TOPMed 0.00007.
gnomAD v4.1: 124 of 1,613,472 alleles (0.0077%); highest among the groups gnomAD compares: Non-Finnish European, 0.0096%; no homozygotes.

Submissions (2):

Ambry Genetics
Classification: Uncertain significance for Inborn genetic diseases. Last evaluated: 2024-09-09. Review status: criteria provided, single submitter. Criteria: Ambry Variant Classification Scheme 2023. Collection method: clinical testing. Allele origin: germline.

Labcorp Genetics (formerly Invitae), Labcorp
Classification: Uncertain significance for Idiopathic generalized epilepsy. Last evaluated: 2024-09-06. Review status: criteria provided, single submitter. Criteria: Invitae Variant Classification Sherloc (09022015). Collection method: clinical testing. Allele origin: germline.
Comment: This sequence change replaces valine, which is neutral and non-polar, with isoleucine, which is neutral and non-polar, at codon 312 of the GABRD protein (p.Val312Ile). This variant is present in population databases (rs774201718, gnomAD 0.02%). This variant has not been reported in the literature in individuals affected with GABRD-related conditions. ClinVar contains an entry for this variant (Variation ID: 1039421). An algorithm developed to predict the effect of missense changes on protein structure and function (PolyPhen-2) suggests that this variant is likely to be disruptive. In summary, the available evidence is currently insufficient to determine the role of this variant in disease. Therefore, it has been classified as a Variant of Uncertain Significance.